The following is an entry in ClinVar:

ClinVar aggregate classification (germline): Uncertain significance (1 of 4 stars; one submission).

gnomAD v4.1: 2 of 1,614,112 alleles (0.00012%); highest among the groups gnomAD compares: South Asian, 0.0011%; no homozygotes.

Submission:

Dasa
Classification: Uncertain significance. Last evaluated: 2025-11-03. Review status: criteria provided, single submitter. Criteria: DASA Assertion Criteria. Collection method: clinical testing. Allele origin: germline.
Comment: NM_018489.3(ASH1L):c.4625A>C (p.His1542Pro) is a missense variant that results in the substitution of histidine with proline. This variant is rare in population databases. The currently available literature and clinical evidence are not sufficient to establish a definitive association between this variant and the reported condition. Therefore, this variant is classified as a variant of uncertain significance.

NM_018489.3(ASH1L):c.4625A>C (p.His1542Pro)

Gene: ASH1L (ASH1 like histone lysine methyltransferase; minus strand). Cytogenetic location: 1q22.
Variant type: single nucleotide variant.
Coding change: c.4625A>C on transcript NM_018489.3 (MANE Select); coding-DNA position 4625, A replaced by C.
Protein change: p.His1542Pro; replaces histidine 1542 with proline.
Molecular consequence: missense variant.
Genome position (GRCh38, 1-based): chr1:155,478,245, T>G on the plus strand (A>C on the coding strand, the complement: ASH1L is on the minus strand). VCF-style: chr1-155478245-T-G. GRCh37 (hg19) VCF-style: chr1-155448036-T-G.
Other names: c.4625A>C, p.His1542Pro (NM_001366177.2); short protein forms H1542P.
Identifiers: ClinVar variation 4881770 (VCV004881770.2).